The following is an entry in ClinVar:

NM_004380.3(CREBBP):c.2747C>G (p.Pro916Arg)

Gene: CREBBP (CREB binding lysine acetyltransferase; minus strand). Cytogenetic location: 16p13.3.
Variant type: single nucleotide variant.
Coding change: c.2747C>G on transcript NM_004380.3 (MANE Select); coding-DNA position 2747, C replaced by G.
Protein change: p.Pro916Arg; replaces proline 916 with arginine.
Molecular consequence: missense variant.
Genome position (GRCh38, 1-based): chr16:3,770,703, G>C on the plus strand (C>G on the coding strand, the complement: CREBBP is on the minus strand). VCF-style: chr16-3770703-G-C. GRCh37 (hg19) VCF-style: chr16-3820704-G-C.
Other names: c.2633C>G, p.Pro878Arg (NM_001079846.1); short protein forms P878R, P916R.
Identifiers: ClinVar variation 4994625 (VCV004994625.1).

ClinVar aggregate classification (germline): Uncertain significance (1 of 4 stars; one submission).

Conditions:
CREBBP-related disorder. Also called: CREBBP-related disorders; CREBBP-related condition.

Submission:

PreventionGenetics, part of Exact Sciences
Classification: Uncertain significance for CREBBP-related condition. Last evaluated: 2025-09-18. Review status: criteria provided, single submitter. Criteria: ACMG Guidelines, 2015. Collection method: clinical testing. Allele origin: germline.
Comment: The CREBBP c.2747C>G variant is predicted to result in the amino acid substitution p.Pro916Arg. To our knowledge, this variant has not been reported in the literature or in a large population database (gnomAD), indicating this variant is rare. At this time, the clinical significance of this variant is uncertain due to the absence of conclusive functional and genetic evidence.